The following is an entry in ClinVar:

ClinVar aggregate classification (germline): Benign/Likely benign. Review status: criteria provided, multiple submitters, no conflicts (2 of 4 stars). 8 submissions from 8 submitters: Benign (6); Likely benign (2). Last evaluated 2026-02-04.

Conditions:
Cardiovascular phenotype. Identifiers: MedGen CN230736.
Brittle cornea syndrome 1 (BCS1). Also called: DYSGENESIS MESODERMALIS CORNEAE ET SCLERAE; CORNEAL FRAGILITY, KERATOGLOBUS, BLUE SCLERAE, JOINT HYPEREXTENSIBILITY; EDS6B; FRAGILITAS OCULI WITH JOINT HYPEREXTENSIBILITY; Corneal fragility keratoglobus, blue sclerae AND joint hypermobility. Identifiers: Orphanet 90354, MedGen C0268344, MONDO:0024543, OMIM 229200.

Allele frequency attached by ClinVar (database versions not stated): ESP Exome Variant Server 0.05634; TOPMed 0.06068; gnomAD 0.06780; 1000 Genomes Project 30x 0.08510; 1000 Genomes Project 0.08946.
gnomAD v4.1: 106,780 of 1,550,004 alleles (6.9%); highest among the groups gnomAD compares: Middle Eastern, 13%; 4,109 homozygotes.

Submissions (8):

Labcorp Genetics (formerly Invitae), Labcorp
Classification: Benign. Last evaluated: 2026-02-04. Review status: criteria provided, single submitter. Criteria: Invitae Variant Classification Sherloc (09022015). Collection method: clinical testing. Allele origin: germline.

Women's Health and Genetics/Laboratory Corporation of America, LabCorp
Classification: Likely benign. Last evaluated: 2026-01-22. Review status: criteria provided, single submitter. Criteria: LabCorp Variant Classification Summary - May 2015. Collection method: clinical testing. Allele origin: germline.

Blueprint Genetics
Classification: Benign. Last evaluated: 2024-11-27. Review status: criteria provided, single submitter. Criteria: ACMG Guidelines, 2015. Collection method: clinical testing. Allele origin: germline.

Mayo Clinic Laboratories, Mayo Clinic
Classification: Benign. Last evaluated: 2022-04-26. Review status: criteria provided, single submitter. Criteria: ACMG Guidelines, 2015. Collection method: clinical testing. Allele origin: germline. Observed: 413 variant alleles.

Genome-Nilou Lab
Classification: Benign for Brittle cornea syndrome 1. Last evaluated: 2021-12-05. Review status: criteria provided, single submitter. Criteria: ACMG Guidelines, 2015. Collection method: clinical testing. Allele origin: germline. Affected: no.

Ambry Genetics
Classification: Benign for Cardiovascular phenotype. Last evaluated: 2018-12-04. Review status: criteria provided, single submitter. Criteria: Ambry Variant Classification Scheme 2023. Collection method: clinical testing. Allele origin: germline.

GeneDx
Classification: Benign. Last evaluated: 2016-10-05. Review status: criteria provided, single submitter. Criteria: GeneDx Variant Classification (06012015). Collection method: clinical testing. Allele origin: germline. Affected: yes.
Comment: This variant is considered likely benign or benign based on one or more of the following criteria: it is a conservative change, it occurs at a poorly conserved position in the protein, it is predicted to be benign by multiple in silico algorithms, and/or has population frequency not consistent with disease.

Breakthrough Genomics
Classification: Likely benign. Review status: criteria provided, single submitter. Criteria: ACMG Guidelines, 2015. Collection method: not provided. Allele origin: germline. Inheritance: Autosomal recessive inheritance. Affected: yes.

NM_001367624.2(ZNF469):c.7508C>A (p.Ala2503Glu)

Gene: ZNF469 (zinc finger protein 469; plus strand). Cytogenetic location: 16q24.2.
Variant type: single nucleotide variant.
Coding change: c.7508C>A on transcript NM_001367624.2 (MANE Select); coding-DNA position 7508, C replaced by A.
Protein change: p.Ala2503Glu; replaces alanine 2503 with glutamic acid.
Molecular consequence: missense variant.
Genome position (GRCh38, 1-based): chr16:88,434,978, C>A. VCF-style: chr16-88434978-C-A. GRCh37 (hg19) VCF-style: chr16-88501386-C-A.
Other names: NM_001127464.1:c.7424C>A; p.Ala2503Glu; short protein forms A2503E.
Identifiers: ClinVar variation 320972 (VCV000320972.19), dbSNP rs141218390, ClinGen allele CA8225253.